The following is an entry in ClinVar:

ClinVar aggregate classification (germline): Likely benign (0 of 4 stars; one submission).

Conditions:
CFAP69-related disorder. Also called: CFAP69-related condition.

Allele frequency attached by ClinVar (database versions not stated): gnomAD 0.00007; TOPMed 0.00011; ExAC 0.00014; gnomAD exomes 0.00014; ESP Exome Variant Server 0.00042.

Submission:

PreventionGenetics, part of Exact Sciences
Classification: Likely benign for CFAP69-related condition. Last evaluated: 2019-02-22. Review status: no assertion criteria provided. Collection method: clinical testing. Allele origin: germline.
Comment: This variant is classified as likely benign based on ACMG/AMP sequence variant interpretation guidelines (Richards et al. 2015 PMID: 25741868, with internal and published modifications).

NM_001039706.3(CFAP69):c.1623A>G (p.Leu541=)

Gene: CFAP69 (cilia and flagella associated protein 69; plus strand). Cytogenetic location: 7q21.13.
Variant type: single nucleotide variant.
Coding change: c.1623A>G on transcript NM_001039706.3 (MANE Select); coding-DNA position 1623, A replaced by G.
Protein change: p.Leu541=; no amino-acid change (leucine 541 retained).
Molecular consequence: synonymous variant.
Genome position (GRCh38, 1-based): chr7:90,286,366, A>G. VCF-style: chr7-90286366-A-G. GRCh37 (hg19) VCF-style: chr7-89915680-A-G.
Other names: c.1569A>G, p.Leu523= (NM_001160138.2); c.1623A>G, p.Leu541= (NM_001363438.1).
Identifiers: ClinVar variation 3049257 (VCV003049257.2), dbSNP rs200376912, ClinGen allele CA4333589.
Genomic context (GRCh38, chr7:90,286,366, plus strand): 5'-GCCTAATGAAAAGGAAGAAGCCATTGTTTTGGAAATCCAGTCTGATATATTACTTATCCT[A>G]TCTGGCCTTTGTGAGAATCACATTCAAAGGAAGGTATGTATGCCTGTGAAAGTTTTGTTC-3'
Protein context (NP_001034795.2, residues 531-551): LEIQSDILLI[Leu541=]SGLCENHIQR